The following is an entry in ClinVar:

NM_002291.3(LAMB1):c.3642G>T (p.Gly1214=)

Gene: LAMB1 (laminin subunit beta 1; minus strand). Cytogenetic location: 7q31.1.
Variant type: single nucleotide variant.
Coding change: c.3642G>T on transcript NM_002291.3 (MANE Select); coding-DNA position 3642, G replaced by T.
Protein change: p.Gly1214=; no amino-acid change (glycine 1214 retained).
Molecular consequence: synonymous variant.
Genome position (GRCh38, 1-based): chr7:107,940,108, C>A on the plus strand (G>T on the coding strand, the complement: LAMB1 is on the minus strand). VCF-style: chr7-107940108-C-A. GRCh37 (hg19) VCF-style: chr7-107580553-C-A.
Identifiers: ClinVar variation 668619 (VCV000668619.39), dbSNP rs569355700, ClinGen allele CA4435262.

ClinVar aggregate classification (germline): Likely benign. Review status: criteria provided, multiple submitters, no conflicts (2 of 4 stars). 5 submissions from 5 submitters: Likely benign (5). Last evaluated 2026-01-12.

Allele frequency attached by ClinVar (database versions not stated): 1000 Genomes Project 30x 0.00016; 1000 Genomes Project 0.00020; gnomAD 0.00020 and 0.00021; ExAC 0.00023; TOPMed 0.00026; gnomAD exomes 0.00029.
gnomAD v4.1: 398 of 1,614,160 alleles (0.025%); highest among the groups gnomAD compares: Middle Eastern, 0.25%; 2 homozygotes.

Submissions (5):

Labcorp Genetics (formerly Invitae), Labcorp
Classification: Likely benign. Last evaluated: 2026-01-12. Review status: criteria provided, single submitter. Criteria: Invitae Variant Classification Sherloc (09022015). Collection method: clinical testing. Allele origin: germline.

Blueprint Genetics
Classification: Likely benign. Last evaluated: 2024-10-23. Review status: criteria provided, single submitter. Criteria: ACMG Guidelines, 2015. Collection method: clinical testing. Allele origin: germline.

CeGaT Center for Human Genetics Tuebingen
Classification: Likely benign. Last evaluated: 2023-02-01. Review status: criteria provided, single submitter. Criteria: CeGaT Center For Human Genetics Tuebingen Variant Classification Criteria Version 2. Collection method: clinical testing. Allele origin: germline. Affected: yes. Observed: 1 variant allele.
Comment: LAMB1: BP4, BP7

GeneDx
Classification: Likely benign. Last evaluated: 2021-01-22. Review status: criteria provided, single submitter. Criteria: GeneDx Variant Classification Process June 2021. Collection method: clinical testing. Allele origin: germline. Affected: yes.

Genetic Services Laboratory, University of Chicago
Classification: Likely benign. Last evaluated: 2017-10-24. Review status: criteria provided, single submitter. Criteria: ACMG Guidelines, 2015. Collection method: clinical testing. Allele origin: germline. Affected: no.